The following is an entry in ClinVar:

ClinVar aggregate classification (germline): Pathogenic (1 of 4 stars; one submission).

Conditions:
Deficiency of alpha-mannosidase (MANSA). Also called: LYSOSOMAL ALPHA-D-MANNOSIDASE DEFICIENCY; Alpha-Mannosidosis; Mannosidosis, alpha-, types I and II. Identifiers: Orphanet 61, MedGen C0024748, MONDO:0009561, OMIM 248500.

Submission:

Myriad Genetics, Inc.
Classification: Pathogenic for Deficiency of alpha-mannosidase. Last evaluated: 2023-09-27. Review status: criteria provided, single submitter. Criteria: Myriad Autosomal Dominant, Autosomal Recessive and X-Linked Classification Criteria (2023). Collection method: clinical testing. Allele origin: unknown.
Comment: NM_000528.3(MAN2B1):c.1169dupG(Y391Lfs*48) is expected to be pathogenic in the context of alpha-mannosidosis. This variant is predicted to lead to an abnormal or absent protein product due to the creation of a premature termination codon in MAN2B1, a gene where loss-of-function variants are known to be pathogenic. Please note: this variant was assessed in the context of healthy population screening.

NM_000528.4(MAN2B1):c.1169dup (p.Tyr391fs)

Gene: MAN2B1 (mannosidase alpha class 2B member 1; minus strand). Cytogenetic location: 19p13.13.
Variant type: Duplication.
Coding change: c.1169dup on transcript NM_000528.4 (MANE Select); coding-DNA position 1169, one base duplicated (G; older notation c.1169dupG).
Protein change: p.Tyr391fs; shifts the reading frame from tyrosine 391.
Molecular consequence: frameshift variant.
Genome position (GRCh38, 1-based): chr19:12,658,285, C duplicated on the plus strand (G on the coding strand, the reverse complement: MAN2B1 is on the minus strand); the first of 2 consecutive C bases (chr19:12,658,285-12,658,286); duplicating either gives the same sequence. VCF-style (leftmost placement, unchanged base first): chr19-12658284-A-AC. GRCh37 (hg19) VCF-style: chr19-12769098-A-AC.
Other names: c.1166dup, p.Tyr390fs (NM_001173498.2); c.1172dup, p.Tyr392fs (NM_001440570.1); short protein forms Y390fs, Y391fs, Y392fs.
Identifiers: ClinVar variation 5011818 (VCV005011818.1).